The following is an entry in ClinVar:

NM_000628.5(IL10RB):c.446A>G (p.Tyr149Cys)

Genes: IL10RB (interleukin 10 receptor subunit beta; plus strand), IFNAR2-IL10RB (IFNAR2-IL10RB readthrough; plus strand). Cytogenetic location: 21q22.11.
Variant type: single nucleotide variant.
Coding change: c.446A>G on transcript NM_000628.5 (MANE Select); coding-DNA position 446, A replaced by G.
Protein change: p.Tyr149Cys; replaces tyrosine 149 with cysteine.
Molecular consequence: missense variant.
Genome position (GRCh38, 1-based): chr21:33,279,866, A>G. VCF-style: chr21-33279866-A-G. GRCh37 (hg19) VCF-style: chr21-34652171-A-G.
Other names: c.446A>G (NM_000628.3); short protein forms Y149C.
Identifiers: ClinVar variation 537181 (VCV000537181.9), dbSNP rs1186719026, ClinGen allele CA410109844.

ClinVar aggregate classification (germline): Uncertain significance. Review status: criteria provided, multiple submitters, no conflicts (2 of 4 stars). 2 submissions from 2 submitters: Uncertain significance (2). Last evaluated 2025-12-10.

Conditions:
Inborn genetic diseases. Identifiers: MedGen C0950123, MeSH D030342.
Inflammatory bowel disease 25. Also called: Inflammatory bowel disease 25, early onset, autosomal recessive. Identifiers: Orphanet 238569, MedGen C2675508, MONDO:0012941, OMIM 612567.

Allele frequency attached by ClinVar (database versions not stated): gnomAD exomes below 0.00001 and 0.00004; gnomAD 0.00001; TOPMed 0.00001.
gnomAD v4.1: 61 of 1,613,882 alleles (0.0038%); highest among the groups gnomAD compares: Non-Finnish European, 0.0051%; no homozygotes.

Submissions (2):

Labcorp Genetics (formerly Invitae), Labcorp
Classification: Uncertain significance for Inflammatory bowel disease 25. Last evaluated: 2025-12-10. Review status: criteria provided, single submitter. Criteria: Invitae Variant Classification Sherloc (09022015). Collection method: clinical testing. Allele origin: germline.
Comment: This sequence change replaces tyrosine, which is neutral and polar, with cysteine, which is neutral and slightly polar, at codon 149 of the IL10RB protein (p.Tyr149Cys). This variant is present in population databases (no rsID available, gnomAD 0.002%). This missense change has been observed in individual(s) with inflammatory bowel disease (internal data). ClinVar contains an entry for this variant (Variation ID: 537181). Invitae Evidence Modeling of protein sequence and biophysical properties (such as structural, functional, and spatial information, amino acid conservation, physicochemical variation, residue mobility, and thermodynamic stability) indicates that this missense variant is expected to disrupt IL10RB protein function with a positive predictive value of 80%. In summary, the available evidence is currently insufficient to determine the role of this variant in disease. Therefore, it has been classified as a Variant of Uncertain Significance.

Ambry Genetics
Classification: Uncertain significance for Inborn genetic diseases. Last evaluated: 2023-01-26. Review status: criteria provided, single submitter. Criteria: Ambry Variant Classification Scheme 2023. Collection method: clinical testing. Allele origin: germline.